The following is an entry in ClinVar:

ClinVar aggregate classification (germline): Conflicting classifications of pathogenicity. Review status: criteria provided, conflicting classifications (1 of 4 stars). 3 submissions from 3 submitters: Uncertain significance (2); Benign (1). Last evaluated 2026-02-27.

Conditions:
ALPK1-related disorder. Also called: ALPK1-related condition.

Allele frequency attached by ClinVar (database versions not stated): ExAC 0.00001.
gnomAD v4.1: 21 of 1,614,202 alleles (0.0013%); highest among the groups gnomAD compares: Non-Finnish European, 0.0014%; no homozygotes.

Submissions (3):

PreventionGenetics, part of Exact Sciences
Classification: Uncertain significance for ALPK1-related condition. Last evaluated: 2026-02-27. Review status: criteria provided, single submitter. Criteria: ACMG Guidelines, 2015. Collection method: clinical testing. Allele origin: germline.
Comment: The ALPK1 c.2704A>C variant is predicted to result in the amino acid substitution p.Ser902Arg. To our knowledge, this variant has not been reported in the literature. This variant is reported in 0.00088% of alleles in individuals of European (Non-Finnish) descent in gnomAD. At this time, the clinical significance of this variant is uncertain due to the absence of conclusive functional and genetic evidence.

Labcorp Genetics (formerly Invitae), Labcorp
Classification: Benign. Last evaluated: 2024-12-03. Review status: criteria provided, single submitter. Criteria: Invitae Variant Classification Sherloc (09022015). Collection method: clinical testing. Allele origin: germline.

Women's Health and Genetics/Laboratory Corporation of America, LabCorp
Classification: Uncertain significance. Last evaluated: 2023-08-24. Review status: criteria provided, single submitter. Criteria: LabCorp Variant Classification Summary - May 2015. Collection method: clinical testing. Allele origin: germline.
Comment: Variant summary: ALPK1 c.2704A>C (p.Ser902Arg) results in a non-conservative amino acid change in the encoded protein sequence. Four of five in-silico tools predict a benign effect of the variant on protein function. The variant allele was found at a frequency of 1.2e-05 in 251200 control chromosomes (gnomAD). The available data on variant occurrences in the general population are insufficient to allow any conclusion about variant significance. To our knowledge, no occurrence of c.2704A>C in individuals affected with Optic Nerve Edema-Splenomegaly Syndrome and no experimental evidence demonstrating its impact on protein function have been reported. One submitter has cited clinical-significance assessments for this variant to ClinVar after 2014 and has classified the variant as benign. Based on the evidence outlined above, the variant was classified as uncertain significance.

NM_025144.4(ALPK1):c.2704A>C (p.Ser902Arg)

Gene: ALPK1 (alpha kinase 1; plus strand). Cytogenetic location: 4q25.
Variant type: single nucleotide variant.
Coding change: c.2704A>C on transcript NM_025144.4 (MANE Select); coding-DNA position 2704, A replaced by C.
Protein change: p.Ser902Arg; replaces serine 902 with arginine.
Molecular consequence: missense variant.
Genome position (GRCh38, 1-based): chr4:112,432,251, A>C. VCF-style: chr4-112432251-A-C. GRCh37 (hg19) VCF-style: chr4-113353407-A-C.
Other names: c.2704A>C, p.Ser902Arg (NM_001102406.2); c.2470A>C, p.Ser824Arg (NM_001253884.2); c.2704A>C (NM_025144.3, NM_001102406.1); short protein forms S902R, S824R.
Identifiers: ClinVar variation 2165541 (VCV002165541.6), dbSNP rs751868470, ClinGen allele CA3046969.